The following is an entry in ClinVar:

NM_006734.4(HIVEP2):c.3352G>A (p.Gly1118Arg)

Gene: HIVEP2 (HIVEP zinc finger 2; minus strand). Cytogenetic location: 6q24.2.
Variant type: single nucleotide variant.
Coding change: c.3352G>A on transcript NM_006734.4 (MANE Select); coding-DNA position 3352, G replaced by A.
Protein change: p.Gly1118Arg; replaces glycine 1118 with arginine.
Molecular consequence: missense variant.
Genome position (GRCh38, 1-based): chr6:142,771,387, C>T on the plus strand (G>A on the coding strand, the complement: HIVEP2 is on the minus strand). VCF-style: chr6-142771387-C-T. GRCh37 (hg19) VCF-style: chr6-143092524-C-T.
Other names: short protein forms G1118R.
Identifiers: ClinVar variation 2291624 (VCV002291624.4), dbSNP rs751162519, ClinGen allele CA4028271.

ClinVar aggregate classification (germline): Conflicting classifications of pathogenicity. Review status: criteria provided, conflicting classifications (1 of 4 stars). 2 submissions from 2 submitters: Uncertain significance (1); Likely benign (1). Last evaluated 2024-11-30.

Conditions:
Inborn genetic diseases. Identifiers: MedGen C0950123, MeSH D030342.

Allele frequency attached by ClinVar (database versions not stated): gnomAD 0.00001; TOPMed 0.00001; ExAC 0.00003.
gnomAD v4.1: 56 of 1,612,876 alleles (0.0035%); highest among the groups gnomAD compares: Non-Finnish European, 0.0044%; no homozygotes.

Submissions (2):

Labcorp Genetics (formerly Invitae), Labcorp
Classification: Uncertain significance. Last evaluated: 2024-11-30. Review status: criteria provided, single submitter. Criteria: Invitae Variant Classification Sherloc (09022015). Collection method: clinical testing. Allele origin: germline.
Comment: This sequence change replaces glycine, which is neutral and non-polar, with arginine, which is basic and polar, at codon 1118 of the HIVEP2 protein (p.Gly1118Arg). This variant is present in population databases (rs751162519, gnomAD 0.005%). This variant has not been reported in the literature in individuals affected with HIVEP2-related conditions. ClinVar contains an entry for this variant (Variation ID: 2291624). Invitae Evidence Modeling of protein sequence and biophysical properties (such as structural, functional, and spatial information, amino acid conservation, physicochemical variation, residue mobility, and thermodynamic stability) indicates that this missense variant is not expected to disrupt HIVEP2 protein function with a negative predictive value of 80%. In summary, the available evidence is currently insufficient to determine the role of this variant in disease. Therefore, it has been classified as a Variant of Uncertain Significance.

Ambry Genetics
Classification: Likely benign for Inborn genetic diseases. Last evaluated: 2022-11-21. Review status: criteria provided, single submitter. Criteria: Ambry Variant Classification Scheme 2023. Collection method: clinical testing. Allele origin: germline.